The following is an entry in ClinVar:

ClinVar aggregate classification (germline): Uncertain significance (1 of 4 stars; one submission).

Conditions:
Intellectual developmental disorder, autosomal dominant 6, with or without seizures. Also called: GRIN2B-related developmental delay, intellectual disability and autism spectrum disorder; Intellectual disability, autosomal dominant 6. Identifiers: Orphanet 589547, MedGen C3151411, MONDO:0013509, OMIM 613970.
Developmental and epileptic encephalopathy, 27 (DEE27). Also called: Epileptic encephalopathy, early infantile, 27; GRIN2B-Related Neurodevelopmental Disorder. Identifiers: Orphanet 3451, MedGen C4015316, MONDO:0014505, OMIM 616139.

Submission:

Labcorp Genetics (formerly Invitae), Labcorp
Classification: Uncertain significance for Developmental and epileptic encephalopathy, 27; Intellectual developmental disorder, autosomal dominant 6, with or without seizures. Last evaluated: 2023-03-18. Review status: criteria provided, single submitter. Criteria: Invitae Variant Classification Sherloc (09022015). Collection method: clinical testing. Allele origin: germline.
Comment: This sequence change replaces glutamic acid, which is acidic and polar, with alanine, which is neutral and non-polar, at codon 6 of the GRIN2B protein (p.Glu6Ala). This variant is not present in population databases (gnomAD no frequency). In summary, the available evidence is currently insufficient to determine the role of this variant in disease. Therefore, it has been classified as a Variant of Uncertain Significance. Advanced modeling of protein sequence and biophysical properties (such as structural, functional, and spatial information, amino acid conservation, physicochemical variation, residue mobility, and thermodynamic stability) performed at Invitae indicates that this missense variant is not expected to disrupt GRIN2B protein function. This variant has not been reported in the literature in individuals affected with GRIN2B-related conditions.

NM_000834.5(GRIN2B):c.17A>C (p.Glu6Ala)

Gene: GRIN2B (glutamate ionotropic receptor NMDA type subunit 2B; minus strand). Cytogenetic location: 12p13.1.
Variant type: single nucleotide variant.
Coding change: c.17A>C on transcript NM_000834.5 (MANE Select); coding-DNA position 17, A replaced by C.
Protein change: p.Glu6Ala; replaces glutamic acid 6 with alanine.
Molecular consequence: missense variant.
Genome position (GRCh38, 1-based): chr12:13,866,192, T>G on the plus strand (A>C on the coding strand, the complement: GRIN2B is on the minus strand). VCF-style: chr12-13866192-T-G. GRCh37 (hg19) VCF-style: chr12-14019126-T-G.
Other names: c.17A>C, p.Glu6Ala (NM_001413992.1, NM_001413993.1, NM_001413994.1 and 1 more transcripts); short protein forms E6A.
Identifiers: ClinVar variation 2938438 (VCV002938438.3), dbSNP rs2497984982, ClinGen allele CA384055169.